The following is an entry in ClinVar:

ClinVar aggregate classification (germline): Likely benign. Review status: criteria provided, multiple submitters, no conflicts (2 of 4 stars). 5 submissions from 4 submitters: Likely benign (5). Last evaluated 2024-04-10.

Conditions:
Inborn genetic diseases. Identifiers: MedGen C0950123, MeSH D030342.
Autosomal dominant nocturnal frontal lobe epilepsy 5. Also called: Epilepsy, nocturnal frontal lobe, 5; CILIARY DYSKINESIA, PRIMARY, 28, WITHOUT SITUS INVERSUS; CILIARY DYSKINESIA, PRIMARY, 28, WITH SITUS INVERSUS; KCNT1-Related Epilepsy. Identifiers: Orphanet 98784, MedGen C3554306, MONDO:0014002, OMIM 615005.
Developmental and epileptic encephalopathy, 14 (DEE14). Also called: Early infantile epileptic encephalopathy 14. Identifiers: Orphanet 293181, MedGen C3554195, MONDO:0013989, OMIM 614959.

Allele frequency attached by ClinVar (database versions not stated): gnomAD 0.00001; gnomAD exomes 0.00001 and 0.00002; TOPMed 0.00002; ExAC 0.00003.
gnomAD v4.1: 21 of 1,613,288 alleles (0.0013%); highest among the groups gnomAD compares: Middle Eastern, 0.033%; no homozygotes.

Submissions (5):

Labcorp Genetics (formerly Invitae), Labcorp
Classification: Likely benign for Autosomal dominant nocturnal frontal lobe epilepsy 5; Developmental and epileptic encephalopathy, 14. Last evaluated: 2024-04-10. Review status: criteria provided, single submitter. Criteria: Invitae Variant Classification Sherloc (09022015). Collection method: clinical testing. Allele origin: germline.

Genome-Nilou Lab
Classification: Likely benign for Developmental and epileptic encephalopathy, 14. Last evaluated: 2022-03-15. Review status: criteria provided, single submitter. Criteria: ACMG Guidelines, 2015. Collection method: clinical testing. Allele origin: germline. Affected: no.

Genome-Nilou Lab
Classification: Likely benign for Autosomal dominant nocturnal frontal lobe epilepsy 5. Last evaluated: 2022-03-15. Review status: criteria provided, single submitter. Criteria: ACMG Guidelines, 2015. Collection method: clinical testing. Allele origin: germline. Affected: no.

Ambry Genetics
Classification: Likely benign for Inborn genetic diseases. Last evaluated: 2019-01-26. Review status: criteria provided, single submitter. Criteria: Ambry Variant Classification Scheme 2023. Collection method: clinical testing. Allele origin: germline.

GeneDx
Classification: Likely benign. Last evaluated: 2017-12-04. Review status: criteria provided, single submitter. Criteria: GeneDx Variant Classification (06012015). Collection method: clinical testing. Allele origin: germline. Affected: yes.
Comment: This variant is considered likely benign or benign based on one or more of the following criteria: it is a conservative change, it occurs at a poorly conserved position in the protein, it is predicted to be benign by multiple in silico algorithms, and/or has population frequency not consistent with disease.

NM_020822.3(KCNT1):c.1158C>G (p.Leu386=)

Gene: KCNT1 (potassium sodium-activated channel subfamily T member 1; plus strand). Cytogenetic location: 9q34.3.
Variant type: single nucleotide variant.
Coding change: c.1158C>G on transcript NM_020822.3 (MANE Select); coding-DNA position 1158, C replaced by G.
Protein change: p.Leu386=; no amino-acid change (leucine 386 retained).
Molecular consequence: synonymous variant.
Genome position (GRCh38, 1-based): chr9:135,765,153, C>G. VCF-style: chr9-135765153-C-G. GRCh37 (hg19) VCF-style: chr9-138656999-C-G.
Other names: c.1023C>G, p.Leu341= (NM_001272003.2).
Identifiers: ClinVar variation 513759 (VCV000513759.12), dbSNP rs749974440, ClinGen allele CA5326787.